The following is an entry in ClinVar:

NM_173628.4(DNAH17):c.11825G>A (p.Arg3942Gln)

Gene: DNAH17 (dynein axonemal heavy chain 17; minus strand). Cytogenetic location: 17q25.3.
Variant type: single nucleotide variant.
Coding change: c.11825G>A on transcript NM_173628.4 (MANE Select); coding-DNA position 11825, G replaced by A.
Protein change: p.Arg3942Gln; replaces arginine 3942 with glutamine.
Molecular consequence: missense variant.
Genome position (GRCh38, 1-based): chr17:78,437,849, C>T on the plus strand (G>A on the coding strand, the complement: DNAH17 is on the minus strand). VCF-style: chr17-78437849-C-T. GRCh37 (hg19) VCF-style: chr17-76433931-C-T.
Other names: short protein forms R3942Q.
Identifiers: ClinVar variation 3042209 (VCV003042209.2), dbSNP rs141152238, ClinGen allele CA8800284.

ClinVar aggregate classification (germline): Benign (0 of 4 stars; one submission).

Conditions:
DNAH17-related disorder. Also called: DNAH17-related condition.

Allele frequency attached by ClinVar (database versions not stated): ESP Exome Variant Server 0.00062; TOPMed 0.00109; gnomAD 0.00135; gnomAD exomes 0.00211; 1000 Genomes Project 0.00260; 1000 Genomes Project 30x 0.00297; ExAC 0.00325.
gnomAD v4.1: 3,297 of 1,609,884 alleles (0.2%); highest among the groups gnomAD compares: South Asian, 1.8%; 34 homozygotes.

Submission:

PreventionGenetics, part of Exact Sciences
Classification: Benign for DNAH17-related condition. Last evaluated: 2019-04-11. Review status: no assertion criteria provided. Collection method: clinical testing. Allele origin: germline.
Comment: This variant is classified as benign based on ACMG/AMP sequence variant interpretation guidelines (Richards et al. 2015 PMID: 25741868, with internal and published modifications).